The following is an entry in ClinVar:

NM_016120.4(RLIM):c.85G>C (p.Glu29Gln)

Gene: RLIM (ring finger protein, LIM domain interacting; minus strand). Cytogenetic location: Xq13.2.
Variant type: single nucleotide variant.
Coding change: c.85G>C on transcript NM_016120.4 (MANE Select); coding-DNA position 85, G replaced by C.
Protein change: p.Glu29Gln; replaces glutamic acid 29 with glutamine.
Molecular consequence: missense variant.
Genome position (GRCh38, 1-based): chrX:74,595,893, C>G on the plus strand (G>C on the coding strand, the complement: RLIM is on the minus strand). VCF-style: chrX-74595893-C-G. GRCh37 (hg19) VCF-style: chrX-73815728-C-G.
Other names: c.85G>C, p.Glu29Gln (NM_183353.3); short protein forms E29Q.
Identifiers: ClinVar variation 3032461 (VCV003032461.2), dbSNP rs2519837453, ClinGen allele CA413665522.

ClinVar aggregate classification (germline): Uncertain significance (0 of 4 stars; one submission).

Conditions:
RLIM-related disorder. Also called: RLIM-related condition.

Submission:

PreventionGenetics, part of Exact Sciences
Classification: Uncertain significance for RLIM-related condition. Last evaluated: 2023-10-30. Review status: no assertion criteria provided. Collection method: clinical testing. Allele origin: germline.
Comment: The RLIM c.85G>C variant is predicted to result in the amino acid substitution p.Glu29Gln. To our knowledge, this variant has not been reported in the literature or in a large population database, indicating this variant is rare. At this time, the clinical significance of this variant is uncertain due to the absence of conclusive functional and genetic evidence.